The following is an entry in ClinVar:

ClinVar aggregate classification (germline): Uncertain significance (1 of 4 stars; one submission).

Allele frequency attached by ClinVar (database versions not stated): ExAC 0.00001.
gnomAD v4.1: 4 of 1,613,148 alleles (0.00025%); highest among the groups gnomAD compares: Non-Finnish European, 0.00034%; no homozygotes.

Submission:

Labcorp Genetics (formerly Invitae), Labcorp
Classification: Uncertain significance. Last evaluated: 2025-04-16. Review status: criteria provided, single submitter. Criteria: Invitae Variant Classification Sherloc (09022015). Collection method: clinical testing. Allele origin: germline.
Comment: This sequence change replaces aspartic acid, which is acidic and polar, with glutamic acid, which is acidic and polar, at codon 866 of the WFS1 protein (p.Asp866Glu). This variant is present in population databases (rs772868825, gnomAD 0.0009%). This variant has not been reported in the literature in individuals affected with WFS1-related conditions. ClinVar contains an entry for this variant (Variation ID: 1517598). Invitae Evidence Modeling of protein sequence and biophysical properties (such as structural, functional, and spatial information, amino acid conservation, physicochemical variation, residue mobility, and thermodynamic stability) has been performed for this missense variant. However, the output from this modeling did not meet the statistical confidence thresholds required to predict the impact of this variant on WFS1 protein function. In summary, the available evidence is currently insufficient to determine the role of this variant in disease. Therefore, it has been classified as a Variant of Uncertain Significance.

NM_006005.3(WFS1):c.2598C>G (p.Asp866Glu)

Gene: WFS1 (wolframin ER transmembrane glycoprotein; plus strand). Cytogenetic location: 4p16.1.
Variant type: single nucleotide variant.
Coding change: c.2598C>G on transcript NM_006005.3 (MANE Select); coding-DNA position 2598, C replaced by G.
Protein change: p.Asp866Glu; replaces aspartic acid 866 with glutamic acid.
Molecular consequence: missense variant.
Genome position (GRCh38, 1-based): chr4:6,302,393, C>G. VCF-style: chr4-6302393-C-G. GRCh37 (hg19) VCF-style: chr4-6304120-C-G.
Other names: c.2598C>G, p.Asp866Glu (NM_001145853.1); short protein forms D866E.
Identifiers: ClinVar variation 1517598 (VCV001517598.6), dbSNP rs772868825, ClinGen allele CA2839799.
Genomic context (GRCh38, chr4:6,302,393, plus strand): 5'-CTGCCTCAACTGCATGGCCCAGCTCTCACCCACCAGGCGGCACGTGAAGATCGAGCACGA[C>G]TGGCGCAGCACCGTGCATGGCGCCGTGAAGTTCGCCTTCGACTTCTTTTTCTTCCCATTC-3'
Protein context (NP_005996.2, residues 856-876): PTRRHVKIEH[Asp866Glu]WRSTVHGAVK